The following is an entry in ClinVar:

NM_014263.4(YME1L1):c.647C>T (p.Ala216Val)

Gene: YME1L1 (YME1 like 1 ATPase; minus strand). Cytogenetic location: 10p12.1.
Variant type: single nucleotide variant.
Coding change: c.647C>T on transcript NM_014263.4 (MANE Select); coding-DNA position 647, C replaced by T.
Protein change: p.Ala216Val; replaces alanine 216 with valine.
Molecular consequence: missense variant.
Genome position (GRCh38, 1-based): chr10:27,134,875, G>A on the plus strand (C>T on the coding strand, the complement: YME1L1 is on the minus strand). VCF-style: chr10-27134875-G-A. GRCh37 (hg19) VCF-style: chr10-27423804-G-A.
Other names: c.818C>T (NM_139312.1); c.548C>T, p.Ala183Val (NM_001253866.2); c.818C>T, p.Ala273Val (NM_139312.3); short protein forms A183V, A216V, A273V.
Identifiers: ClinVar variation 3021284 (VCV003021284.4), dbSNP rs144679428, ClinGen allele CA5449537.

ClinVar aggregate classification (germline): Uncertain significance. Review status: criteria provided, multiple submitters, no conflicts (2 of 4 stars). 2 submissions from 2 submitters: Uncertain significance (2). Last evaluated 2024-09-03.

Allele frequency attached by ClinVar (database versions not stated): gnomAD exomes below 0.00001; ExAC 0.00001; gnomAD 0.00001; TOPMed 0.00002; ESP Exome Variant Server 0.00008.
gnomAD v4.1: 8 of 1,613,774 alleles (0.0005%); highest among the groups gnomAD compares: East Asian, 0.0022%; no homozygotes.

Submissions (2):

Ambry Genetics
Classification: Uncertain significance. Last evaluated: 2024-09-03. Review status: criteria provided, single submitter. Criteria: Ambry Variant Classification Scheme 2023. Collection method: clinical testing. Allele origin: germline.

Labcorp Genetics (formerly Invitae), Labcorp
Classification: Uncertain significance. Last evaluated: 2024-02-14. Review status: criteria provided, single submitter. Criteria: Invitae Variant Classification Sherloc (09022015). Collection method: clinical testing. Allele origin: germline.
Comment: This sequence change replaces alanine, which is neutral and non-polar, with valine, which is neutral and non-polar, at codon 273 of the YME1L1 protein (p.Ala273Val). This variant is not present in population databases (gnomAD no frequency). This variant has not been reported in the literature in individuals affected with YME1L1-related conditions. An algorithm developed to predict the effect of missense changes on protein structure and function (PolyPhen-2) suggests that this variant is likely to be tolerated. In summary, the available evidence is currently insufficient to determine the role of this variant in disease. Therefore, it has been classified as a Variant of Uncertain Significance.